The following is an entry in ClinVar:

NM_001039141.3(TRIOBP):c.5322+5281GGC[9]

Gene: TRIOBP (TRIO and F-actin binding protein; plus strand). Cytogenetic location: 22q13.1.
Variant type: Microsatellite.
Coding change: c.5322+5281GGC[9] on transcript NM_001039141.3 (MANE Select); nine copies in a row of the 3-base unit GGC starting at c.5322+5281.
Molecular consequence: intron variant. On other transcripts: inframe insertion (2).
Genome position: GRCh38 VCF-style: chr22-37746312-G-GGGCGGC. GRCh37 (hg19) VCF-style: chr22-38142319-G-GGGCGGC.
Other names: c.78CGG[9], p.Gly32_Gly33dup (NM_007032.5, NM_138632.2).
Identifiers: ClinVar variation 1197472 (VCV001197472.2), dbSNP rs953748818, ClinGen allele CA324148735.
Genomic context (GRCh38, chr22:37,746,312, plus strand): 5'-GGGGCCGGGGCAGCGTCGGGGAAAGGAAGGGCCGGAGGCGCGGCGGCGGGCGGCCGAGAG[G>GGGCGGC]GGCGGCGGCGGCGGCGGCGGCGGGGTTCCCGCGCCGCGGAGCCCGGCCCGAGAGCCGCGT-3'

ClinVar aggregate classification (germline): Uncertain significance (1 of 4 stars; one submission).

Submission:

GeneDx
Classification: Uncertain significance. Last evaluated: 2020-12-31. Review status: criteria provided, single submitter. Criteria: GeneDx Variant Classification Process June 2021. Collection method: clinical testing. Allele origin: germline. Affected: yes.
Comment: In-frame insertion of 2 amino acids in a repetitive region with no known function; Has not been previously published as pathogenic or benign to our knowledge